The following is an entry in ClinVar:

ClinVar aggregate classification (germline): Uncertain significance (1 of 4 stars; one submission).

Conditions:
Spastic paraplegia. Identifiers: MedGen C0037772, HP:0001258.

Submission:

Labcorp Genetics (formerly Invitae), Labcorp
Classification: Uncertain significance for Spastic paraplegia. Last evaluated: 2021-10-17. Review status: criteria provided, single submitter. Criteria: Invitae Variant Classification Sherloc (09022015). Collection method: clinical testing. Allele origin: germline.
Comment: In summary, the available evidence is currently insufficient to determine the role of this variant in disease. Therefore, it has been classified as a Variant of Uncertain Significance. This sequence change replaces tryptophan with leucine at codon 410 of the ZFYVE26 protein (p.Trp410Leu). The tryptophan residue is highly conserved and there is a small physicochemical difference between tryptophan and leucine. This variant is not present in population databases (ExAC no frequency). This variant has not been reported in the literature in individuals with ZFYVE26-related conditions. Algorithms developed to predict the effect of missense changes on protein structure and function (SIFT, PolyPhen-2, Align-GVGD) all suggest that this variant is likely to be tolerated, but these predictions have not been confirmed by published functional studies and their clinical significance is uncertain.

NM_015346.4(ZFYVE26):c.1229G>T (p.Trp410Leu)

Gene: ZFYVE26 (zinc finger FYVE-type containing 26; minus strand). Cytogenetic location: 14q24.1.
Variant type: single nucleotide variant.
Coding change: c.1229G>T on transcript NM_015346.4 (MANE Select); coding-DNA position 1229, G replaced by T.
Protein change: p.Trp410Leu; replaces tryptophan 410 with leucine.
Molecular consequence: missense variant.
Genome position (GRCh38, 1-based): chr14:67,805,259, C>A on the plus strand (G>T on the coding strand, the complement: ZFYVE26 is on the minus strand). VCF-style: chr14-67805259-C-A. GRCh37 (hg19) VCF-style: chr14-68271976-C-A.
Other names: short protein forms W410L.
Identifiers: ClinVar variation 1432465 (VCV001432465.6), dbSNP rs2140249674, ClinGen allele CA390177116.
Genomic context (GRCh38, chr14:67,805,259, plus strand): 5'-GACTGCACAGGGCCATACCTGCTCTGCTGTATGCACCACTCCAGGACCTCCAGGTGAGCC[C>A]ACAACCCATCACAGGCATCCCTGAGGAGCTCATCACAGCCTGGGCCCTATGTTGATATGG-3'
Protein context (NP_056161.2, residues 400-420): ELLRDACDGL[Trp410Leu]AHLEVLEWCI